The following is an entry in ClinVar:

NM_000157.4(GBA1):c.-15A>G

Gene: GBA1 (glucosylceramidase beta 1; minus strand). Cytogenetic location: 1q22.
Variant type: single nucleotide variant.
Coding change: c.-15A>G on transcript NM_000157.4 (MANE Select); 15 bases upstream of the start codon, A replaced by G.
Molecular consequence: 5 prime UTR variant. On other transcripts: intron variant (1).
Genome position (GRCh38, 1-based): chr1:155,241,127, T>C on the plus strand (A>G on the coding strand, the complement: GBA1 is on the minus strand). VCF-style: chr1-155241127-T-C. GRCh37 (hg19) VCF-style: chr1-155210918-T-C.
Other names: c.-15A>G (NM_001005741.3, NM_001005742.3, NM_001171812.2 and 1 more transcripts); c.-146-1050A>G (NM_001171811.2).
Identifiers: ClinVar variation 2445887 (VCV002445887.2), dbSNP rs41264927, ClinGen allele CA1141894.
Genomic context (GRCh38, chr1:155,241,127, plus strand): 5'-TGGGAGCTCTCTCTCTTACCTCTCTGGAAGGACTTGAAAACTCCATCCCCTCAGGGTCAT[T>C]AGATGAAGAGAAGACCACAGGGGTTCCAGAGTCTCTGAAGGATAGAGGATCCACTAAACA-3'

ClinVar aggregate classification (germline): Likely benign. Review status: criteria provided, multiple submitters, no conflicts (2 of 4 stars). 2 submissions from 2 submitters: Likely benign (2). Last evaluated 2024-10-16.

Allele frequency attached by ClinVar (database versions not stated): 1000 Genomes Project 0.00020; 1000 Genomes Project 30x 0.00031; TOPMed 0.00068; gnomAD 0.00103; gnomAD exomes 0.00119; ESP Exome Variant Server 0.00123; ExAC 0.00135.
gnomAD v4.1: 1,866 of 1,613,658 alleles (0.12%); highest among the groups gnomAD compares: Non-Finnish European, 0.13%; 5 homozygotes.

Submissions (2):

Blueprint Genetics
Classification: Likely benign. Last evaluated: 2024-10-16. Review status: criteria provided, single submitter. Criteria: ACMG Guidelines, 2015. Collection method: clinical testing. Allele origin: germline.

Women's Health and Genetics/Laboratory Corporation of America, LabCorp
Classification: Likely benign. Last evaluated: 2023-02-17. Review status: criteria provided, single submitter. Criteria: LabCorp Variant Classification Summary - May 2015. Collection method: clinical testing. Allele origin: germline.
Comment: Variant summary: GBA c.-15A>G is located in the untranslated mRNA region in exon 2, upstream of the initiation codon. The variant affects the -1 position of the Kozak consensus sequence of a potential upstream ATG, however it is not expected to alter the strength this consensus motif. In addition, 4/4 computational tools predict no significant impact on normal splicing, though these predictions have yet to be confirmed by functional studies. The variant allele was found at a frequency of 0.0013 in 282848 control chromosomes, predominantly at a frequency of 0.0048 within the Finnish European subpopulation in the gnomAD database, including 1 homozygote. This frequency is close to the estimated maximum for a pathogenic variant in GBA causing Gaucher Disease (0.005), suggesting that the variant might be benign. c.-15A>G has been reported in the literature in heterozygous state in 2/1118 Caucasian patients affected with Lewy body dementia (LBD) (Orme_2020), however the allele frequency within this LDB cohort (0.00044) is lower than the variant frequency in European controls in the gnomAD database (i.e. 0.0016). To our knowledge, no experimental evidence demonstrating an impact on protein function has been reported. No clinical diagnostic laboratories have submitted clinical-significance assessments for this variant to ClinVar after 2014. Based on the evidence outlined above, the variant was classified as likely benign.

Literature cited by the submitters: PubMed 31996268 (cited by Women's Health and Genetics/Laboratory Corporation of America, LabCorp); PubMed 26401515 (cited by Women's Health and Genetics/Laboratory Corporation of America, LabCorp); PubMed 29124790 (cited by Women's Health and Genetics/Laboratory Corporation of America, LabCorp).